The following is an entry in ClinVar:

ClinVar aggregate classification (germline): Uncertain significance (1 of 4 stars; one submission).

Submission:

GeneDx
Classification: Uncertain significance. Last evaluated: 2023-03-17. Review status: criteria provided, single submitter. Criteria: GeneDx Variant Classification Process June 2021. Collection method: clinical testing. Allele origin: germline. Affected: yes.
Comment: Not observed at significant frequency in large population cohorts (gnomAD); In silico analysis supports that this missense variant does not alter protein structure/function; Has not been previously published as pathogenic or benign to our knowledge

NM_002911.4(UPF1):c.3352T>C (p.Tyr1118His)

Gene: UPF1 (UPF1 RNA helicase and ATPase; plus strand). Cytogenetic location: 19p13.11.
Variant type: single nucleotide variant.
Coding change: c.3352T>C on transcript NM_002911.4 (MANE Select); coding-DNA position 3352, T replaced by C.
Protein change: p.Tyr1118His; replaces tyrosine 1118 with histidine.
Molecular consequence: missense variant.
Genome position (GRCh38, 1-based): chr19:18,866,158, T>C. VCF-style: chr19-18866158-T-C. GRCh37 (hg19) VCF-style: chr19-18976967-T-C.
Other names: c.3385T>C, p.Tyr1129His (NM_001297549.2); short protein forms Y1118H, Y1129H.
Identifiers: ClinVar variation 2580103 (VCV002580103.1), dbSNP rs1601134713, ClinGen allele CA404861378.